The following is an entry in ClinVar:

NM_000203.5(IDUA):c.304del (p.Ser102fs)

Gene: IDUA (alpha-L-iduronidase; plus strand). Cytogenetic location: 4p16.3.
Variant type: Deletion.
Coding change: c.304del on transcript NM_000203.5 (MANE Select); coding-DNA position 304, one base deleted (T; older notation c.304delT).
Protein change: p.Ser102fs; shifts the reading frame from serine 102.
Molecular consequence: frameshift variant. On other transcripts: 5 prime UTR variant (1), non-coding transcript variant (1).
Genome position (GRCh38, 1-based): chr4:1,000,616, T deleted. VCF-style (leftmost placement, unchanged base first): chr4-1000615-GT-G. GRCh37 (hg19) VCF-style: chr4-994403-GT-G.
Other names: c.-93del (NM_001363576.1); short protein forms S102fs.
Identifiers: ClinVar variation 4817928 (VCV004817928.2).

ClinVar aggregate classification (germline): Pathogenic/Likely pathogenic. Review status: criteria provided, multiple submitters, no conflicts (2 of 4 stars). 2 submissions from 2 submitters: Pathogenic (1); Likely pathogenic (1). Last evaluated 2025-12-24.

Conditions:
Mucopolysaccharidosis type 1. Also called: IDUA deficiency; MPS I; Mucopolysaccharidosis Type I. Identifiers: Orphanet 579, MedGen C0023786, MONDO:0001586.

Submissions (2):

Natera, Inc.
Classification: Likely pathogenic for Mucopolysaccharidosis type I. Last evaluated: 2025-12-24. Review status: criteria provided, single submitter. Criteria: Natera Variant Classification Schema (03/2026). Collection method: clinical testing. Allele origin: germline.
Comment: The c.304del variant in IDUA is a frameshift variant predicted to shift the reading frame beginning at codon 102 and leads to a stop codon 6 codons downstream. This variant is expected to result in nonsense mediated decay, truncation, or a dysfunctional protein product. This variant is rare in the general population with a frequency below the threshold expected for the associated phenotype(s). Given the available evidence, this variant is classified as Likely Pathogenic.

Myriad Genetics, Inc.
Classification: Pathogenic for Mucopolysaccharidosis type 1. Last evaluated: 2024-09-16. Review status: criteria provided, single submitter. Criteria: Myriad Autosomal Dominant, Autosomal Recessive and X-Linked Classification Criteria (2023). Collection method: clinical testing. Allele origin: unknown.
Comment: NM_000203.3(IDUA):c.304delT(S102Pfs*6) is expected to be pathogenic in the context of mucopolysaccharidosis type I. This variant is predicted to lead to an abnormal or absent protein product due to the creation of a premature termination codon in IDUA, a gene where loss-of-function variants are known to be pathogenic. Please note: this variant was assessed in the context of healthy population screening.